The following is an entry in ClinVar:

NM_001447.3(FAT2):c.10676A>T (p.Asp3559Val)

Genes: FAT2 (FAT atypical cadherin 2; minus strand), SLC36A1 (solute carrier family 36 member 1; plus strand). Cytogenetic location: 5q33.1.
Variant type: single nucleotide variant.
Coding change: c.10676A>T on transcript NM_001447.3 (MANE Select); coding-DNA position 10676, A replaced by T.
Protein change: p.Asp3559Val; replaces aspartic acid 3559 with valine.
Molecular consequence: missense variant.
Genome position (GRCh38, 1-based): chr5:151,521,917, T>A on the plus strand (A>T on the coding strand, the complement: FAT2 is on the minus strand). VCF-style: chr5-151521917-T-A. GRCh37 (hg19) VCF-style: chr5-150901478-T-A.
Other names: short protein forms D3559V.
Identifiers: ClinVar variation 2039907 (VCV002039907.4), dbSNP rs2127580313, ClinGen allele CA361824935.

ClinVar aggregate classification (germline): Uncertain significance (1 of 4 stars; one submission).

Submission:

Labcorp Genetics (formerly Invitae), Labcorp
Classification: Uncertain significance. Last evaluated: 2022-11-16. Review status: criteria provided, single submitter. Criteria: Invitae Variant Classification Sherloc (09022015). Collection method: clinical testing. Allele origin: germline.
Comment: Algorithms developed to predict the effect of missense changes on protein structure and function (SIFT, PolyPhen-2, Align-GVGD) all suggest that this variant is likely to be disruptive. In summary, the available evidence is currently insufficient to determine the role of this variant in disease. Therefore, it has been classified as a Variant of Uncertain Significance. This variant has not been reported in the literature in individuals affected with FAT2-related conditions. This variant is not present in population databases (gnomAD no frequency). This sequence change replaces aspartic acid, which is acidic and polar, with valine, which is neutral and non-polar, at codon 3559 of the FAT2 protein (p.Asp3559Val).